The following is an entry in ClinVar:

ClinVar aggregate classification (germline): Benign/Likely benign. Review status: criteria provided, multiple submitters, no conflicts (2 of 4 stars). 2 submissions from 2 submitters: Benign (1); Likely benign (1). Last evaluated 2026-08-01.

Allele frequency attached by ClinVar (database versions not stated): gnomAD exomes 0.00002; TOPMed 0.00002; gnomAD 0.00003; ExAC 0.00004.
gnomAD v4.1: 31 of 1,613,272 alleles (0.0019%); highest among the groups gnomAD compares: Non-Finnish European, 0.0025%; no homozygotes.

Submissions (2):

CeGaT Center for Human Genetics Tuebingen
Classification: Likely benign. Last evaluated: 2026-08-01. Review status: criteria provided, single submitter. Criteria: CeGaT Center For Human Genetics Tuebingen Variant Classification Criteria Version 2. Collection method: clinical testing. Allele origin: germline. Affected: yes. Observed: 1 variant allele.
Comment: PACS2: BP4

Labcorp Genetics (formerly Invitae), Labcorp
Classification: Benign. Last evaluated: 2025-09-04. Review status: criteria provided, single submitter. Criteria: Invitae Variant Classification Sherloc (09022015). Collection method: clinical testing. Allele origin: germline.

NM_001100913.3(PACS2):c.733A>G (p.Met245Val)

Gene: PACS2 (phosphofurin acidic cluster sorting protein 2; plus strand). Cytogenetic location: 14q32.33.
Variant type: single nucleotide variant.
Coding change: c.733A>G on transcript NM_001100913.3 (MANE Select); coding-DNA position 733, A replaced by G.
Protein change: p.Met245Val; replaces methionine 245 with valine.
Molecular consequence: missense variant. On other transcripts: intron variant (1).
Genome position (GRCh38, 1-based): chr14:105,368,531, A>G. VCF-style: chr14-105368531-A-G. GRCh37 (hg19) VCF-style: chr14-105834868-A-G.
Other names: c.733A>G, p.Met245Val (NM_015197.4); c.516+16A>G (NM_001243127.3); short protein forms M245V.
Identifiers: ClinVar variation 2178234 (VCV002178234.5), dbSNP rs782768000, ClinGen allele CA7388524.